The following is an entry in ClinVar:

ClinVar aggregate classification (germline): Likely benign (1 of 4 stars; one submission).

Submission:

CeGaT Center for Human Genetics Tuebingen
Classification: Likely benign. Last evaluated: 2024-11-01. Review status: criteria provided, single submitter. Criteria: CeGaT Center For Human Genetics Tuebingen Variant Classification Criteria Version 2. Collection method: clinical testing. Allele origin: germline. Affected: yes. Observed: 1 variant allele.
Comment: HYDIN: BP4, BP7

NM_001270974.2(HYDIN):c.5904C>G (p.Val1968=)

Gene: HYDIN (HYDIN axonemal central pair apparatus protein; minus strand). Cytogenetic location: 16q22.2.
Variant type: single nucleotide variant.
Coding change: c.5904C>G on transcript NM_001270974.2 (MANE Select); coding-DNA position 5904, C replaced by G.
Protein change: p.Val1968=; no amino-acid change (valine 1968 retained).
Molecular consequence: synonymous variant.
Genome position (GRCh38, 1-based): chr16:70,962,023, G>C on the plus strand (C>G on the coding strand, the complement: HYDIN is on the minus strand). VCF-style: chr16-70962023-G-C. GRCh37 (hg19) VCF-style: chr16-70995926-G-C.
Identifiers: ClinVar variation 3387864 (VCV003387864.14).
Genomic context (GRCh38, chr16:70,962,023, plus strand): 5'-GAAAATGATTTTTTCCAGGCTTTCCTCATCCTCCTCTTCCTCTAGGTAGGTTTTGGACTC[G>C]ACCAACAGGGCGTGCCATTCTTCCAGGTTGGATGTGACAGAGATCCCTCGGCTCAGCGAT-3'
Protein context (NP_001257903.1, residues 1958-1978): SNLEEWHALL[Val1968=]ESKTYLEEEE